The following is an entry in ClinVar:

ClinVar aggregate classification (germline): Uncertain significance (1 of 4 stars; one submission).

Allele frequency attached by ClinVar (database versions not stated): TOPMed below 0.00001.

Submission:

Labcorp Genetics (formerly Invitae), Labcorp
Classification: Uncertain significance. Last evaluated: 2023-11-24. Review status: criteria provided, single submitter. Criteria: Invitae Variant Classification Sherloc (09022015). Collection method: clinical testing. Allele origin: germline.
Comment: This sequence change replaces serine, which is neutral and polar, with cysteine, which is neutral and slightly polar, at codon 1163 of the DIP2C protein (p.Ser1163Cys). This variant is not present in population databases (gnomAD no frequency). This variant has not been reported in the literature in individuals affected with DIP2C-related conditions. An algorithm developed to predict the effect of missense changes on protein structure and function (PolyPhen-2) suggests that this variant is likely to be disruptive. In summary, the available evidence is currently insufficient to determine the role of this variant in disease. Therefore, it has been classified as a Variant of Uncertain Significance.

NM_014974.3(DIP2C):c.3488C>G (p.Ser1163Cys)

Gene: DIP2C (DIP2 acetate--CoA ligase C (putative); minus strand). Cytogenetic location: 10p15.3.
Variant type: single nucleotide variant.
Coding change: c.3488C>G on transcript NM_014974.3 (MANE Select); coding-DNA position 3488, C replaced by G.
Protein change: p.Ser1163Cys; replaces serine 1163 with cysteine.
Molecular consequence: missense variant.
Genome position (GRCh38, 1-based): chr10:341,295, G>C on the plus strand (C>G on the coding strand, the complement: DIP2C is on the minus strand). VCF-style: chr10-341295-G-C. GRCh37 (hg19) VCF-style: chr10-387235-G-C.
Other names: short protein forms S1163C.
Identifiers: ClinVar variation 2698500 (VCV002698500.3), dbSNP rs774110002, ClinGen allele CA375829283.
Genomic context (GRCh38, chr10:341,295, plus strand): 5'-TAAGGGTCCAGGCAGATGGCCACTTCTCTAGAGGGGTAAAGTTCACACTGCAGCTTAATG[G>C]AACGGCAGAAGGCACTGGTGGCTGCGTGAGACATCTGCAAAATACAAGGCTGTGTTAAAC-3'
Protein context (NP_055789.1, residues 1153-1173): SHAATSAFCR[Ser1163Cys]IKLQCELYPS